The following is an entry in ClinVar:

NM_152594.3(SPRED1):c.494G>A (p.Ser165Asn)

Gene: SPRED1 (sprouty related EVH1 domain containing 1; plus strand). Cytogenetic location: 15q14.
Variant type: single nucleotide variant.
Coding change: c.494G>A on transcript NM_152594.3 (MANE Select); coding-DNA position 494, G replaced by A.
Protein change: p.Ser165Asn; replaces serine 165 with asparagine.
Molecular consequence: missense variant.
Genome position (GRCh38, 1-based): chr15:38,339,807, G>A. VCF-style: chr15-38339807-G-A. GRCh37 (hg19) VCF-style: chr15-38632008-G-A.
Other names: short protein forms S165N.
Identifiers: ClinVar variation 4615018 (VCV004615018.1).
Genomic context (GRCh38, chr15:38,339,807, plus strand): 5'-AGGATTCTTCCAGTTCTCTAGTGAAGGATCACCTTTTTCAGCAAGAGACAGTTGTTACCA[G>A]TGAGCCTTATAGAAGCTCAAATATAAGACCTTCTCCCTTTGAAGATCTGAATGCCAGAAG-3'
Protein context (NP_689807.1, residues 155-175): HLFQQETVVT[Ser165Asn]EPYRSSNIRP

ClinVar aggregate classification (germline): Uncertain significance (1 of 4 stars; one submission).

Conditions:
Cardiovascular phenotype. Identifiers: MedGen CN230736.

Submission:

Ambry Genetics
Classification: Uncertain significance for Cardiovascular phenotype. Last evaluated: 2025-10-25. Review status: criteria provided, single submitter. Criteria: Ambry Variant Classification Scheme 2023. Collection method: clinical testing. Allele origin: germline.
Comment: The p.S165N variant (also known as c.494G>A), located in coding exon 5 of the SPRED1 gene, results from a G to A substitution at nucleotide position 494. The serine at codon 165 is replaced by asparagine, an amino acid with highly similar properties. This amino acid position is conserved. In addition, this alteration is predicted to be tolerated by in silico analysis. Based on the available evidence, the clinical significance of this variant remains unclear.